The following is an entry in ClinVar:

NM_212550.5(BLOC1S3):c.593C>T (p.Pro198Leu)

Gene: BLOC1S3 (biogenesis of lysosomal organelles complex 1 subunit 3; plus strand). Cytogenetic location: 19q13.32.
Variant type: single nucleotide variant.
Coding change: c.593C>T on transcript NM_212550.5 (MANE Select); coding-DNA position 593, C replaced by T.
Protein change: p.Pro198Leu; replaces proline 198 with leucine.
Molecular consequence: missense variant.
Genome position (GRCh38, 1-based): chr19:45,179,889, C>T. VCF-style: chr19-45179889-C-T. GRCh37 (hg19) VCF-style: chr19-45683147-C-T.
Other names: short protein forms P198L.
Identifiers: ClinVar variation 1506925 (VCV001506925.4), dbSNP rs1472001617, ClinGen allele CA406345120.

ClinVar aggregate classification (germline): Uncertain significance (1 of 4 stars; one submission).

Allele frequency attached by ClinVar (database versions not stated): TOPMed below 0.00001.
gnomAD v4.1: 8 of 1,608,328 alleles (0.0005%); highest among the groups gnomAD compares: Non-Finnish European, 0.00059%; no homozygotes.

Submission:

Labcorp Genetics (formerly Invitae), Labcorp
Classification: Uncertain significance. Last evaluated: 2022-02-09. Review status: criteria provided, single submitter. Criteria: Invitae Variant Classification Sherloc (09022015). Collection method: clinical testing. Allele origin: germline.
Comment: This sequence change replaces proline, which is neutral and non-polar, with leucine, which is neutral and non-polar, at codon 198 of the BLOC1S3 protein (p.Pro198Leu). This variant is not present in population databases (gnomAD no frequency). This variant has not been reported in the literature in individuals affected with BLOC1S3-related conditions. Algorithms developed to predict the effect of missense changes on protein structure and function are either unavailable or do not agree on the potential impact of this missense change (SIFT: "Deleterious"; PolyPhen-2: "Benign"; Align-GVGD: "Class C0"). In summary, the available evidence is currently insufficient to determine the role of this variant in disease. Therefore, it has been classified as a Variant of Uncertain Significance.